The following is an entry in ClinVar:

NM_001367624.2(ZNF469):c.9088G>A (p.Gly3030Ser)

Gene: ZNF469 (zinc finger protein 469; plus strand). Cytogenetic location: 16q24.2.
Variant type: single nucleotide variant.
Coding change: c.9088G>A on transcript NM_001367624.2 (MANE Select); coding-DNA position 9088, G replaced by A.
Protein change: p.Gly3030Ser; replaces glycine 3030 with serine.
Molecular consequence: missense variant.
Genome position (GRCh38, 1-based): chr16:88,436,558, G>A. VCF-style: chr16-88436558-G-A. GRCh37 (hg19) VCF-style: chr16-88502966-G-A.
Other names: NM_001127464.1:c.9004G>A; short protein forms G3030S.
Identifiers: ClinVar variation 808134 (VCV000808134.46), dbSNP rs773580012, ClinGen allele CA286385034.

ClinVar aggregate classification (germline): Conflicting classifications of pathogenicity. Review status: criteria provided, conflicting classifications (1 of 4 stars). 3 submissions from 3 submitters: Uncertain significance (2); Likely benign (1). Last evaluated 2021-08-22.

Conditions:
Cardiovascular phenotype. Identifiers: MedGen CN230736.

Allele frequency attached by ClinVar (database versions not stated): gnomAD 0.00001; TOPMed 0.00001.
gnomAD v4.1: 19 of 1,549,646 alleles (0.0012%); highest among the groups gnomAD compares: East Asian, 0.0049%; no homozygotes.

Submissions (3):

Ambry Genetics
Classification: Likely benign for Cardiovascular phenotype. Last evaluated: 2021-08-22. Review status: criteria provided, single submitter. Criteria: Ambry Variant Classification Scheme 2023. Collection method: clinical testing. Allele origin: germline.

GeneDx
Classification: Uncertain significance. Last evaluated: 2019-12-11. Review status: criteria provided, single submitter. Criteria: GeneDx Variant Classification Process June 2021. Collection method: clinical testing. Allele origin: germline. Affected: yes.
Comment: Has not been previously published as pathogenic or benign to our knowledge; Not observed at a significant frequency in large population cohorts (Lek et al., 2016); In silico analysis, which includes protein predictors and evolutionary conservation, supports that this variant does not alter protein structure/function

CeGaT Center for Human Genetics Tuebingen
Classification: Uncertain significance. Last evaluated: 2019-05-01. Review status: criteria provided, single submitter. Criteria: CeGaT Center For Human Genetics Tuebingen Variant Classification Criteria Version 2. Collection method: clinical testing. Allele origin: germline. Affected: yes. Observed: 1 variant allele.